The following is an entry in ClinVar:

Single allele

Genes: ABHD11 (abhydrolase domain containing 11; minus strand), ABHD11-AS1 (ABHD11 antisense RNA 1 (tail to tail); plus strand), BAZ1B (bromodomain adjacent to zinc finger domain 1B; minus strand), BCL7B (BAF chromatin remodeling complex subunit BCL7B; minus strand), BUD23 (BUD23 rRNA methyltransferase and ribosome maturation factor; plus strand) and 125 more. Cytogenetic location: 7q11.23.
Variant type: Deletion.
Identifiers: ClinVar variation 4819216 (VCV004819216.1).

ClinVar aggregate classification (germline): Pathogenic (1 of 4 stars; one submission).

Conditions:
Williams syndrome (WBS). Also called: WILLIAMS-BEUREN SYNDROME; CHROMOSOME 7q11.23 DELETION SYNDROME, 1.5- TO 1.8-MB. Identifiers: Orphanet 904, MedGen C0175702, MONDO:0008678, OMIM 194050. Disease mechanism: loss of function.

Submission:

Broad Center for Mendelian Genomics, Broad Institute of MIT and Harvard
Classification: Pathogenic for Williams syndrome. Last evaluated: 2023-05-01. Review status: criteria provided, single submitter. Criteria: ACMG/ClinGen CNV Guidelines, 2019. Collection method: research. Allele origin: germline. Inheritance: Autosomal dominant inheritance. Affected: yes.
Comment: These breakpoints have been called by exome sequencing only and therefore may not reflect the true breakpoints. The patient phenotype is nonspecific, but is consistent with cases described in the literature and/or published databases with overlapping variants. A deletion with similar genetic overlap has been reported in ClinVar (Variation ID: 32643) and has been interpreted as pathogenic by ISCA site 17, ISCA site 2, ISCA site 1, and ISCA site 4. There is complete overlap with the 7q11.23 recurrent (Williams-Beuren syndrome) region and the ELN gene which are both known to be haploinsufficient and have been assessed by the ClinGen Dosage Sensitivity Working Group. Data from large population studies are insufficient to assess the frequency of this variant. In summary, this variant meets criteria to be classified as pathogenic for Williams-Beuren syndrome. The ACMG/ClinGen evidence codes and points used in this curation are as follows: 1: 0 points, 2: 1 points, 3: 0 points, 4-5: 0.1 points; Total: 1.1 points; Riggs 2020 (PMID: 31690835).